The following is an entry in ClinVar:

ClinVar aggregate classification (germline): Conflicting classifications of pathogenicity. Review status: criteria provided, conflicting classifications (1 of 4 stars). 8 submissions from 8 submitters: Uncertain significance (5); Likely benign (3). Last evaluated 2026-04-14.

Conditions:
Myofibrillar myopathy 5. Also called: Filaminopathy (type); FILAMINOPATHY, AUTOSOMAL DOMINANT. Identifiers: Orphanet 171445, MedGen C1836050, MONDO:0012289, OMIM 609524.
Distal myopathy with posterior leg and anterior hand involvement. Also called: WILLIAMS DISTAL MYOPATHY. Identifiers: Orphanet 63273, MedGen C3279722, MONDO:0013550, OMIM 614065.
Hypertrophic cardiomyopathy 26. Also called: Cardiomyopathy, familial hypertrophic, 26. Identifiers: Orphanet 75249, MedGen C4310749, MONDO:0014883, OMIM 617047.
Cardiomyopathy (CMYO). Also called: Cardiomyopathies. Identifiers: Orphanet 167848, MedGen C0878544, MONDO:0004994, HP:0001638. Inheritance: Various modes of inheritance.
Cardiovascular phenotype. Identifiers: MedGen CN230736.

Allele frequency attached by ClinVar (database versions not stated): ExAC 0.00009; gnomAD exomes 0.00010 and 0.00025; gnomAD 0.00015 and 0.00016; TOPMed 0.00018; ESP Exome Variant Server 0.00008.
gnomAD v4.1: 385 of 1,613,934 alleles (0.024%); highest among the groups gnomAD compares: Non-Finnish European, 0.031%; no homozygotes.

Submissions (8):

Women's Health and Genetics/Laboratory Corporation of America, LabCorp
Classification: Likely benign. Last evaluated: 2026-04-14. Review status: criteria provided, single submitter. Criteria: LabCorp Variant Classification Summary - May 2015. Collection method: clinical testing. Allele origin: germline.
Comment: Variant summary: FLNC c.3304C>T (p.Pro1102Ser) results in a non-conservative amino acid change located in the Filamin/ABP280 repeat (IPR001298) of the encoded protein sequence. Algorithms developed to predict the effect of missense changes on protein structure and function all suggest that this variant is likely to be disruptive. The variant allele was found at a frequency of 0.0001 in 249384 control chromosomes, predominantly at a frequency of 0.0002 within the Non-Finnish European subpopulation in the gnomAD database. The observed variant frequency within Non-Finnish European control individuals in the gnomAD database exceeds the estimated maximal expected allele frequency for disease-causing variants in FLNC. c.3304C>T has been reported in the literature a cohort of individuals with hypertrophic cardiomyopathy, but was also identified in healthy controls and classified as a polymorphism by the authors (Gomez_2017). These report(s) do not provide unequivocal conclusions about association of the variant with Dilated Cardiomyopathy. To our knowledge, no experimental evidence demonstrating an impact on protein function has been reported. The following publications have been ascertained in the context of this evaluation (PMID: 28356264, 37198425). ClinVar contains an entry for this variant (Variation ID: 539421). Based on the evidence outlined above, the variant was classified as likely benign.

Labcorp Genetics (formerly Invitae), Labcorp
Classification: Likely benign for Distal myopathy with posterior leg and anterior hand involvement; Myofibrillar myopathy 5; Hypertrophic cardiomyopathy 26. Last evaluated: 2026-01-28. Review status: criteria provided, single submitter. Criteria: Invitae Variant Classification Sherloc (09022015). Collection method: clinical testing. Allele origin: germline.

CeGaT Center for Human Genetics Tuebingen
Classification: Likely benign. Last evaluated: 2025-10-01. Review status: criteria provided, single submitter. Criteria: CeGaT Center For Human Genetics Tuebingen Variant Classification Criteria Version 2. Collection method: clinical testing. Allele origin: germline. Affected: yes. Observed: 1 variant allele.
Comment: FLNC: PP3, BS1

GeneDx
Classification: Uncertain significance. Last evaluated: 2025-08-11. Review status: criteria provided, single submitter. Criteria: GeneDx Variant Classification Process June 2021. Collection method: clinical testing. Allele origin: germline. Affected: yes.
Comment: Reported in at least one individual with HCM; however, p.(P1102S) was also identified in two control alleles (PMID: 28356264); In silico analysis supports that this missense variant has a deleterious effect on protein structure/function; This variant is associated with the following publications: (PMID: 28356264)

Molecular Diagnostic Laboratory for Inherited Cardiovascular Disease, Montreal Heart Institute
Classification: Uncertain significance for Cardiovascular phenotype. Last evaluated: 2025-04-09. Review status: criteria provided, single submitter. Criteria: ACMG Guidelines, 2015. Collection method: clinical testing. Allele origin: germline. Affected: yes.
Comment: PP3;BS2

Ambry Genetics
Classification: Uncertain significance for Cardiovascular phenotype. Last evaluated: 2024-03-01. Review status: criteria provided, single submitter. Criteria: Ambry Variant Classification Scheme 2023. Collection method: clinical testing. Allele origin: germline.
Comment: The p.P1102S variant (also known as c.3304C>T), located in coding exon 21 of the FLNC gene, results from a C to T substitution at nucleotide position 3304. The proline at codon 1102 is replaced by serine, an amino acid with similar properties. This variant has been detected in a hypertrophic cardiomyopathy cohort, but was also detected in controls (G&oacute;mez J et al. Circ Cardiovasc Genet, 2017 Apr;10:). This amino acid position is highly conserved in available vertebrate species. In addition, this alteration is predicted to be deleterious by in silico analysis. Since supporting evidence is limited at this time, the clinical significance of this alteration remains unclear.

CHEO Genetics Diagnostic Laboratory, Children's Hospital of Eastern Ontario
Classification: Uncertain significance for Cardiomyopathy. Last evaluated: 2021-10-12. Review status: criteria provided, single submitter. Criteria: ACMG Guidelines, 2015. Collection method: clinical testing. Allele origin: germline.

Revvity Omics, Revvity
Classification: Uncertain significance. Last evaluated: 2020-11-16. Review status: criteria provided, single submitter. Criteria: ACMG Guidelines, 2015. Collection method: clinical testing. Allele origin: germline.

Literature cited by the submitters: PubMed 28356264 (cited by Women's Health and Genetics/Laboratory Corporation of America, LabCorp and Ambry Genetics); PubMed 37198425 (cited by Women's Health and Genetics/Laboratory Corporation of America, LabCorp).

NM_001458.5(FLNC):c.3304C>T (p.Pro1102Ser)

Gene: FLNC (filamin C; plus strand). Cytogenetic location: 7q32.1.
Variant type: single nucleotide variant.
Coding change: c.3304C>T on transcript NM_001458.5 (MANE Select); coding-DNA position 3304, C replaced by T.
Protein change: p.Pro1102Ser; replaces proline 1102 with serine.
Molecular consequence: missense variant.
Genome position (GRCh38, 1-based): chr7:128,844,769, C>T. VCF-style: chr7-128844769-C-T. GRCh37 (hg19) VCF-style: chr7-128484823-C-T.
Other names: c.3304C>T, p.Pro1102Ser (NM_001127487.2); short protein forms P1102S.
Identifiers: ClinVar variation 539421 (VCV000539421.30), dbSNP rs199707920, ClinGen allele CA4475013.
Genomic context (GRCh38, chr7:128,844,769, plus strand): 5'-CCATTCTCCATCGACACCAAGGGGGCTGGCACAGGTGGCCTGGGGCTGACCGTAGAGGGC[C>T]CCTGCGAGGCCAAGATCGAGTGCCAGGACAATGGTGATGGCTCATGTGCTGTCAGCTACC-3'
Protein context (NP_001449.3, residues 1092-1112): TGGLGLTVEG[Pro1102Ser]CEAKIECQDN